The following is an entry in ClinVar:

ClinVar aggregate classification (germline): Likely pathogenic (1 of 4 stars; one submission).

Conditions:
CHD7-related CHARGE syndrome. Identifiers: MedGen CN380413, MONDO:1010178, OMIM 214800.

Submission:

Molecular Genetics Laboratory, Motol Hospital
Classification: Likely pathogenic for CHD7-related CHARGE syndrome. Last evaluated: 2013-01-18. Review status: criteria provided, single submitter. Criteria: ACMG Guidelines, 2015. Collection method: clinical testing. Allele origin: germline. Affected: yes. Observed: 1 variant allele.
Comment: Rare loss-of-function variants in the CHD7 gene are associated with autosomal dominant CHARGE syndrome (MIM:214800). Rare variant not present in the non-Finnish European poulation (gnomAD v4.1.0). The variant is classified as likely pathogenic.

NM_017780.4(CHD7):c.4909C>T (p.Gln1637Ter)

Gene: CHD7 (chromodomain helicase DNA binding protein 7; plus strand). Cytogenetic location: 8q12.2.
Variant type: single nucleotide variant.
Coding change: c.4909C>T on transcript NM_017780.4 (MANE Select); coding-DNA position 4909, C replaced by T.
Protein change: p.Gln1637Ter; replaces glutamine 1637 with a stop codon.
Molecular consequence: nonsense. On other transcripts: intron variant (1).
Genome position (GRCh38, 1-based): chr8:60,844,922, C>T. VCF-style: chr8-60844922-C-T. GRCh37 (hg19) VCF-style: chr8-61757481-C-T.
Other names: c.1717-17307C>T (NM_001316690.1); short protein forms Q1637*.
Identifiers: ClinVar variation 4819311 (VCV004819311.1).